The following is an entry in ClinVar:

ClinVar aggregate classification (germline): Uncertain significance (1 of 4 stars; one submission).

Submission:

Labcorp Genetics (formerly Invitae), Labcorp
Classification: Uncertain significance. Last evaluated: 2024-08-31. Review status: criteria provided, single submitter. Criteria: Invitae Variant Classification Sherloc (09022015). Collection method: clinical testing. Allele origin: germline.
Comment: This sequence change replaces serine, which is neutral and polar, with threonine, which is neutral and polar, at codon 1071 of the ABL1 protein (p.Ser1071Thr). This variant is not present in population databases (gnomAD no frequency). This variant has not been reported in the literature in individuals affected with ABL1-related conditions. Invitae Evidence Modeling of protein sequence and biophysical properties (such as structural, functional, and spatial information, amino acid conservation, physicochemical variation, residue mobility, and thermodynamic stability) indicates that this missense variant is not expected to disrupt ABL1 protein function with a negative predictive value of 95%. In summary, the available evidence is currently insufficient to determine the role of this variant in disease. Therefore, it has been classified as a Variant of Uncertain Significance.

NM_005157.6(ABL1):c.3155G>C (p.Ser1052Thr)

Gene: ABL1 (ABL proto-oncogene 1, non-receptor tyrosine kinase; plus strand). Cytogenetic location: 9q34.12.
Variant type: single nucleotide variant.
Coding change: c.3155G>C on transcript NM_005157.6 (MANE Select); coding-DNA position 3155, G replaced by C.
Protein change: p.Ser1052Thr; replaces serine 1052 with threonine.
Molecular consequence: missense variant.
Genome position (GRCh38, 1-based): chr9:130,885,445, G>C. VCF-style: chr9-130885445-G-C. GRCh37 (hg19) VCF-style: chr9-133760832-G-C.
Other names: c.3212G>C, p.Ser1071Thr (NM_007313.3); short protein forms S1052T, S1071T.
Identifiers: ClinVar variation 3635948 (VCV003635948.2).
Genomic context (GRCh38, chr9:130,885,445, plus strand): 5'-TCCTGGACAGCACCGAGGCGCTGTGCCTCGCCATCTCTAGGAACTCCGAGCAGATGGCCA[G>C]CCACAGCGCAGTGCTGGAGGCCGGCAAAAACCTCTACACGTTCTGCGTGAGCTATGTGGA-3'
Protein context (NP_005148.2, residues 1042-1062): AISRNSEQMA[Ser1052Thr]HSAVLEAGKN